The following is an entry in ClinVar:

ClinVar aggregate classification (germline): Pathogenic (1 of 4 stars; one submission).

Conditions:
Developmental and epileptic encephalopathy, 9 (DEE9). Also called: Early infantile epileptic encephalopathy 9; PCDH19-Related X-Linked Female-Limited Epilepsy with Mental Retardation; JUBERG-HELLMAN SYNDROME; EPILEPSY, FEMALE-RESTRICTED, WITH MENTAL RETARDATION. Identifiers: Orphanet 101039, Orphanet 2076, MedGen C1848137, MONDO:0010246, OMIM 300088. Disease mechanism: loss of function.

Submission:

Labcorp Genetics (formerly Invitae), Labcorp
Classification: Pathogenic for Early infantile epileptic encephalopathy 9. Last evaluated: 2018-12-22. Review status: criteria provided, single submitter. Criteria: Invitae Variant Classification Sherloc (09022015). Collection method: clinical testing. Allele origin: germline.
Comment: This sequence change creates a premature translational stop signal (p.Ser225Valfs*4) in the PCDH19 gene. It is expected to result in an absent or disrupted protein product. This variant is not present in population databases (ExAC no frequency). This variant has not been reported in the literature in individuals with PCDH19-related conditions. Loss-of-function variants in PCDH19 are known to be pathogenic (PMID: 21053371). For these reasons, this variant has been classified as Pathogenic.

NM_001184880.2(PCDH19):c.670del (p.Ser225fs)

Gene: PCDH19 (protocadherin 19; minus strand). Cytogenetic location: Xq22.1.
Variant type: Deletion.
Coding change: c.670del on transcript NM_001184880.2 (MANE Select); coding-DNA position 670, one base deleted (C; older notation c.670delC).
Protein change: p.Ser225fs; shifts the reading frame from serine 225.
Molecular consequence: frameshift variant.
Genome position (GRCh38, 1-based): chrX:100,407,928, G deleted on the plus strand (C on the coding strand, the reverse complement: PCDH19 is on the minus strand); the first of 2 consecutive G bases (chrX:100,407,928-100,407,929); deleting either gives the same sequence. VCF-style (leftmost placement, unchanged base first): chrX-100407927-AG-A. GRCh37 (hg19) VCF-style: chrX-99662925-AG-A.
Other names: c.670del, p.Ser225fs (NM_001105243.2, NM_020766.3); short protein forms S225fs.
Identifiers: ClinVar variation 647772 (VCV000647772.1), dbSNP rs1602637452, ClinGen allele CA915951275.